The following is an entry in ClinVar:

NM_001244008.2(KIF1A):c.5000A>G (p.Asp1667Gly)

Gene: KIF1A (kinesin family member 1A; minus strand). Cytogenetic location: 2q37.3.
Variant type: single nucleotide variant.
Coding change: c.5000A>G on transcript NM_001244008.2 (MANE Select); coding-DNA position 5000, A replaced by G.
Protein change: p.Asp1667Gly; replaces aspartic acid 1667 with glycine.
Molecular consequence: missense variant.
Genome position (GRCh38, 1-based): chr2:240,719,795, T>C on the plus strand (A>G on the coding strand, the complement: KIF1A is on the minus strand). VCF-style: chr2-240719795-T-C. GRCh37 (hg19) VCF-style: chr2-241659212-T-C.
Other names: c.4697A>G (NM_004321.6); c.4724A>G, p.Asp1575Gly (NM_001320705.2, NM_001379649.1); c.4751A>G, p.Asp1584Gly (NM_001330289.2); c.4799A>G, p.Asp1600Gly (NM_001330290.2, NM_001379648.1); c.5075A>G, p.Asp1692Gly (NM_001379631.1); c.4976A>G, p.Asp1659Gly (NM_001379632.1); c.4973A>G, p.Asp1658Gly (NM_001379633.1, NM_001379645.1); c.4826A>G, p.Asp1609Gly (NM_001379634.1); and 8 more; short protein forms D1609G, D1667G, D1692G, D1575G, D1583G, D1584G, D1565G, D1566G.
Identifiers: ClinVar variation 1481077 (VCV001481077.9), dbSNP rs1454545662, ClinGen allele CA351300030.
Genomic context (GRCh38, chr2:240,719,795, plus strand): 5'-AGAGCTGGTGGCGGTGCTTTCCAGGGAGGCCCCACACACCTGACTCGGATCTCCTGGATG[T>C]CAGGGACCAGCAGGCGCTGGGGCTCCTTGTCTGTCTCTGTTGCCCGGGCAGGGGAAGGGA-3'
Protein context (NP_001230937.1, residues 1657-1677): DKEPQRLLVP[Asp1667Gly]IQEIRVSPIV

ClinVar aggregate classification (germline): Uncertain significance. Review status: criteria provided, multiple submitters, no conflicts (2 of 4 stars). 2 submissions from 2 submitters: Uncertain significance (2). Last evaluated 2025-03-18.

Conditions:
Hereditary spastic paraplegia 30. Identifiers: Orphanet 101010, MedGen C5235139, MONDO:0012476.
Neuropathy, hereditary sensory, type 2C. Also called: KIF1A-Related HSAN2 (HSAN2C); Hereditary sensory and autonomic neuropathy type IIC. Identifiers: Orphanet 970, MedGen C3280168, MONDO:0013634, OMIM 614213.
Intellectual disability, autosomal dominant 9 (NESCAVS). Also called: KIF1A-Related Neurodevelopmental Disorder; NESCAV SYNDROME. Identifiers: Orphanet 662367, MedGen C5393830, MONDO:0013656, OMIM 614255.

Allele frequency attached by ClinVar (database versions not stated): TOPMed 0.00001.
gnomAD v4.1: 1 of 1,598,208 alleles (0.000063%); no homozygotes.

Submissions (2):

GeneDx
Classification: Uncertain significance. Last evaluated: 2025-03-18. Review status: criteria provided, single submitter. Criteria: GeneDx Variant Classification Process June 2021. Collection method: clinical testing. Allele origin: germline. Affected: yes.
Comment: Not observed at significant frequency in large population cohorts (gnomAD); In silico analysis supports that this missense variant has a deleterious effect on protein structure/function; Has not been previously published as pathogenic or benign to our knowledge

Labcorp Genetics (formerly Invitae), Labcorp
Classification: Uncertain significance for Hereditary spastic paraplegia 30; Neuropathy, hereditary sensory, type 2C; Intellectual disability, autosomal dominant 9. Last evaluated: 2023-11-17. Review status: criteria provided, single submitter. Criteria: Invitae Variant Classification Sherloc (09022015). Collection method: clinical testing. Allele origin: germline.
Comment: This sequence change replaces aspartic acid, which is acidic and polar, with glycine, which is neutral and non-polar, at codon 1566 of the KIF1A protein (p.Asp1566Gly). This variant is not present in population databases (gnomAD no frequency). This variant has not been reported in the literature in individuals affected with KIF1A-related conditions. ClinVar contains an entry for this variant (Variation ID: 1481077). Advanced modeling of protein sequence and biophysical properties (such as structural, functional, and spatial information, amino acid conservation, physicochemical variation, residue mobility, and thermodynamic stability) performed at Invitae indicates that this missense variant is not expected to disrupt KIF1A protein function with a negative predictive value of 95%. In summary, the available evidence is currently insufficient to determine the role of this variant in disease. Therefore, it has been classified as a Variant of Uncertain Significance.